The following is an entry in ClinVar:

NM_000059.4(BRCA2):c.1190_1191insTTAG (p.Gln397delinsHisTer)

Gene: BRCA2 (BRCA2 DNA repair associated; plus strand). Cytogenetic location: 13q13.1.
Variant type: Insertion.
Coding change: c.1190_1191insTTAG on transcript NM_000059.4 (MANE Select); coding-DNA positions 1190 to 1191, TTAG inserted.
Protein change: p.Gln397delinsHisTer.
Molecular consequence: nonsense.
Genome position: GRCh38 VCF-style: chr13-32332668-A-ATTAG. GRCh37 (hg19) VCF-style: chr13-32906805-A-ATTAG.
Other names: 1418ins4.
Identifiers: ClinVar variation 125936 (VCV000125936.3), dbSNP rs80359266, ClinGen allele CA011109.

ClinVar aggregate classification (germline): Pathogenic. Review status: reviewed by expert panel (3 of 4 stars). 4 submissions from 4 submitters: Pathogenic (1). 3 of the submissions do not count toward it. Last evaluated 2016-09-08.

Conditions:
Hereditary breast ovarian cancer syndrome. Also called: Hereditary breast and ovarian cancer; Hereditary breast and/or ovarian cancer syndrome; BRCA1- and BRCA2-Associated Hereditary Breast and Ovarian Cancer; Hereditary breast and ovarian cancer syndrome; Hereditary breast and ovarian cancer syndrome (HBOC); Breast and ovarian cancer. Identifiers: Orphanet 145, MedGen C0677776, MeSH D061325, MONDO:0003582. Disease mechanism: loss of function.
Breast-ovarian cancer, familial, susceptibility to, 2 (BROVCA2). Also called: BRCA2 Hereditary Breast and Ovarian Cancer. Identifiers: Orphanet 145, MedGen C2675520, MONDO:0012933, OMIM 612555. Disease mechanism: loss of function.
Familial cancer of breast. Also called: BREAST CANCER, FAMILIAL; Hereditary breast cancer; hereditary breast carcinoma. Identifiers: Orphanet 227535, MedGen C0346153, MONDO:0016419, OMIM 114480. Disease mechanism: loss of function.

Submissions (4):

Evidence-based Network for the Interpretation of Germline Mutant Alleles (ENIGMA)
Classification: Pathogenic for Breast-ovarian cancer, familial, susceptibility to, 2. Last evaluated: 2016-09-08. Review status: reviewed by expert panel. Criteria: ENIGMA BRCA1/2 Classification Criteria (2015). Collection method: curation. Allele origin: germline.
Comment: Variant allele predicted to encode a truncated non-functional protein.

GeneDx
Classification: Pathogenic for Familial cancer of breast. Last evaluated: 2014-09-03. Review status: criteria provided, single submitter. Criteria: GeneDx Variant Classification (06012015). Collection method: clinical testing. Allele origin: germline. Affected: yes. Not counted in ClinVar's aggregate classification.
Comment: This variant is denoted BRCA2 c.1189_1190insTTAG at the cDNA level and p.Gln397LeufsX25 (Q397LfsX25) at the protein level. The normal sequence, with the bases that are inserted in brackets, is GTCTC[TTAG]AACT. The insertion causes a frameshift, changing a Glutamine to a Leucine at codon 397, and creating a premature stop codon at position 25 of the new reading frame. This mutation is predicted to cause loss of normal protein function through either protein truncation or nonsense-mediated mRNA decay. This mutation has been reported in at least one individual with familial breast/ovarian cancer (Ruark 2013). and is indicative of Hereditary Breast and Ovarian Cancer (HBOC) syndrome, an autosomal dominant condition that predisposes to breast and ovarian cancer as well as other cancers. The predominant BRCA2-related cancer risks for women who have not been diagnosed with cancer have been estimated as 41% - 84% lifetime risk for breast cancer and 11% - 27% lifetime risk for ovarian cancer (Ford 1998, Risch 2006). BRCA2 mutations have also been reported in women with fallopian tube carcinoma, primary peritoneal carcinoma, and uterine serous carcinoma (Levine 2003, Biron-Shental 2006). Women with BRCA1/2 mutations also have an increased risk for contralateral breast cancer. Women with BRCA mutations whose first cancer was diagnosed under age 40 have a 21-31% risk to develop a second breast cancer within 10 years and a 63% risk to develop a second breast cancer within 25 years. Women with BRCA mutations whose first cancer was diagnosed between ages 40 and 50 have an 11-13% risk to develop a second breast cancer within 10 years and a 44-49% risk within 25 years. Women with BRCA mutations whose first cancer was diagnosed after age 50 have an 8% risk to develop a second breast cancer within 10 years and a 20% risk within 25 years (Graeser 2009). Other cancer risks associated with a BRCA2 mutation include up to a 7% risk for pancreatic cancer (Ozcelik 1997, The Breast Cancer Linkage Consortium 1999), up to a 34% risk for prostate cancer in male carriers (Thompson 2001), and up to a 7% risk for male breast cancer (Liede 2004).Fanconi Anemia (FA) is a rare autosomal recessive condition that can be caused by two mutations (one from each parent) in the BRCA2 gene. This condition is characterized by an increased risk for malignancy in children including leukemia and certain solid tumors as well as physical abnormalities and bone marrow failure. The variant is found in BR-OV-HEREDIC,BRCA panel(s).

Research Molecular Genetics Laboratory, Women's College Hospital, University of Toronto
Classification: Pathogenic for Hereditary breast ovarian cancer syndrome. Last evaluated: 2014-01-31. Review status: no assertion criteria provided. Collection method: research. Allele origin: germline. Affected: yes. Study: The Canadian Open Genetics Repository (COGR). Not counted in ClinVar's aggregate classification.

Breast Cancer Information Core (BIC) (BRCA2)
Classification: Pathogenic for Breast-ovarian cancer, familial 2. Review status: no assertion criteria provided. Collection method: clinical testing. Allele origin: germline, unknown. Affected: yes. Observed: 2 variant alleles. Not counted in ClinVar's aggregate classification.